The following is an entry in ClinVar:

NM_001287491.2(TET3):c.1276C>T (p.Pro426Ser)

Gene: TET3 (tet methylcytosine dioxygenase 3; plus strand). Cytogenetic location: 2p13.1.
Variant type: single nucleotide variant.
Coding change: c.1276C>T on transcript NM_001287491.2 (MANE Select); coding-DNA position 1276, C replaced by T.
Protein change: p.Pro426Ser; replaces proline 426 with serine.
Molecular consequence: missense variant.
Genome position (GRCh38, 1-based): chr2:74,047,193, C>T. VCF-style: chr2-74047193-C-T. GRCh37 (hg19) VCF-style: chr2-74274320-C-T.
Other names: c.997C>T, p.Pro333Ser (NM_001366022.1); short protein forms P333S, P426S.
Identifiers: ClinVar variation 5008309 (VCV005008309.1).

ClinVar aggregate classification (germline): Uncertain significance (1 of 4 stars; one submission).

gnomAD v4.1: 1 of 1,614,034 alleles (0.000062%); highest among the groups gnomAD compares: Non-Finnish European, 0.000085%; no homozygotes.

Submission:

GeneDx
Classification: Uncertain significance. Last evaluated: 2026-03-12. Review status: criteria provided, single submitter. Criteria: GeneDx Variant Classification Process June 2021. Collection method: clinical testing. Allele origin: germline.
Comment: Not observed at significant frequency in large population cohorts (gnomAD); In silico analysis suggests that this missense variant does not alter protein structure/function; Has not been previously published as pathogenic or benign to our knowledge